The following is an entry in ClinVar:

ClinVar aggregate classification (germline): Uncertain significance (1 of 4 stars; one submission).

Conditions:
SLC12A1-related disorder. Also called: SLC12A1-related condition.

Allele frequency attached by ClinVar (database versions not stated): gnomAD exomes below 0.00001.
gnomAD v4.1: 1 of 1,599,220 alleles (0.000063%); highest among the groups gnomAD compares: South Asian, 0.0011%; no homozygotes.

Submission:

PreventionGenetics, part of Exact Sciences
Classification: Uncertain significance for SLC12A1-related condition. Last evaluated: 2023-03-28. Review status: criteria provided, single submitter. Criteria: ACMG Guidelines, 2015. Collection method: clinical testing. Allele origin: germline.
Comment: The SLC12A1 c.785T>C variant is predicted to result in the amino acid substitution p.Leu262Pro. To our knowledge, this variant has not been reported in the literature. This variant is reported in 0.0037% of alleles in individuals of South Asian descent in gnomAD. At this time, the clinical significance of this variant is uncertain due to the absence of conclusive functional and genetic evidence.

NM_000338.3(SLC12A1):c.785T>C (p.Leu262Pro)

Gene: SLC12A1 (solute carrier family 12 member 1; plus strand). Cytogenetic location: 15q21.1.
Variant type: single nucleotide variant.
Coding change: c.785T>C on transcript NM_000338.3 (MANE Select); coding-DNA position 785, T replaced by C.
Protein change: p.Leu262Pro; replaces leucine 262 with proline.
Molecular consequence: missense variant.
Genome position (GRCh38, 1-based): chr15:48,229,249, T>C. VCF-style: chr15-48229249-T-C. GRCh37 (hg19) VCF-style: chr15-48521446-T-C.
Other names: c.785T>C, p.Leu262Pro (NM_001184832.2, NM_001384136.1); short protein forms L262P.
Identifiers: ClinVar variation 2633870 (VCV002633870.1), dbSNP rs1420961198, ClinGen allele CA392306969.